The following is an entry in ClinVar:

NM_000505.4(F12):c.115+8G>T

Gene: F12 (coagulation factor XII; minus strand). Cytogenetic location: 5q35.3.
Variant type: single nucleotide variant.
Coding change: c.115+8G>T on transcript NM_000505.4 (MANE Select); 8 bases into the intron after coding-DNA position 115, G replaced by T.
Molecular consequence: intron variant.
Genome position (GRCh38, 1-based): chr5:177,409,038, C>A on the plus strand (G>T on the coding strand, the complement: F12 is on the minus strand). VCF-style: chr5-177409038-C-A. GRCh37 (hg19) VCF-style: chr5-176836039-C-A.
Identifiers: ClinVar variation 4982037 (VCV004982037.1).
Genomic context (GRCh38, chr5:177,409,038, plus strand): 5'-GACTGCACACACTGCACCATACACATCCCCACCCAAGGGTTCCCGGGAGGAGGAGCCAGG[C>A]CACTTACCGACTGTGTGCTCTTCAGCTTTGTACTTATGCTCCTTGGGGGCTTCCCAAGGT-3'

ClinVar aggregate classification (germline): Likely benign (1 of 4 stars; one submission).

Conditions:
F12-related disorder. Also called: F12-related condition; F12-related disorders. Identifiers: MedGen CN239389.

Submission:

PreventionGenetics, part of Exact Sciences
Classification: Likely benign for F12-related condition. Last evaluated: 2024-12-19. Review status: criteria provided, single submitter. Criteria: ACMG Guidelines, 2015. Collection method: clinical testing. Allele origin: germline.
Comment: This variant is classified as likely benign based on ACMG/AMP sequence variant interpretation guidelines (Richards et al. 2015 PMID: 25741868, with internal and published modifications).